The following is an entry in ClinVar:

ClinVar aggregate classification (germline): Conflicting classifications of pathogenicity. Review status: criteria provided, conflicting classifications (1 of 4 stars). 2 submissions from 2 submitters: Likely pathogenic (1); Uncertain significance (1). Last evaluated 2026-04-02.

Conditions:
Landau-Kleffner syndrome (FESD). Also called: APHASIA, ACQUIRED, WITH EPILEPSY; EPILEPSY, FOCAL, WITH SPEECH DISORDER AND WITH OR WITHOUT MENTAL RETARDATION. Identifiers: Orphanet 1945, Orphanet 725, Orphanet 98818, MedGen C0282512, MONDO:0009509, OMIM 245570.

Submissions (2):

Institute of Human Genetics, University of Leipzig Medical Center
Classification: Uncertain significance for Landau-Kleffner syndrome. Last evaluated: 2026-04-02. Review status: criteria provided, single submitter. Criteria: ACMG Guidelines, 2015. Collection method: clinical testing. Allele origin: unknown. Inheritance: Autosomal dominant inheritance. Affected: yes.
Comment: Criteria applied: PM2

CeGaT Center for Human Genetics Tuebingen
Classification: Likely pathogenic. Last evaluated: 2019-08-01. Review status: criteria provided, single submitter. Criteria: CeGaT Center For Human Genetics Tuebingen Variant Classification Criteria Version 2. Collection method: clinical testing. Allele origin: germline. Affected: yes. Observed: 1 variant allele.

NM_001134407.3(GRIN2A):c.3217del (p.Glu1073fs)

Gene: GRIN2A (glutamate ionotropic receptor NMDA type subunit 2A; minus strand). Cytogenetic location: 16p13.2.
Variant type: Deletion.
Coding change: c.3217del on transcript NM_001134407.3 (MANE Select); coding-DNA position 3217, one base deleted (G; older notation c.3217delG).
Protein change: p.Glu1073fs; shifts the reading frame from glutamic acid 1073.
Molecular consequence: frameshift variant.
Genome position (GRCh38, 1-based): chr16:9,764,327, C deleted on the plus strand (G on the coding strand, the reverse complement: GRIN2A is on the minus strand); the first of 3 consecutive C bases (chr16:9,764,327-9,764,329); deleting any one gives the same sequence. VCF-style (leftmost placement, unchanged base first): chr16-9764326-TC-T. GRCh37 (hg19) VCF-style: chr16-9858183-TC-T.
Other names: c.3217del, p.Glu1073fs (NM_000833.5, NM_001134408.2); short protein forms E1073fs.
Identifiers: ClinVar variation 871806 (VCV000871806.41), dbSNP rs1900768625, ClinGen allele CA1139664516.